The following is an entry in ClinVar:

ClinVar aggregate classification (germline): Uncertain significance (1 of 4 stars; one submission).

Allele frequency attached by ClinVar (database versions not stated): gnomAD 0.00001.
gnomAD v4.1: 1 of 1,611,252 alleles (0.000062%); highest among the groups gnomAD compares: African/African-American, 0.0013%; no homozygotes.

Submission:

Labcorp Genetics (formerly Invitae), Labcorp
Classification: Uncertain significance. Last evaluated: 2025-04-28. Review status: criteria provided, single submitter. Criteria: Invitae Variant Classification Sherloc (09022015). Collection method: clinical testing. Allele origin: germline.
Comment: This sequence change replaces serine, which is neutral and polar, with glycine, which is neutral and non-polar, at codon 445 of the CEP78 protein (p.Ser445Gly). This variant is present in population databases (no rsID available, gnomAD 0.01%). This variant has not been reported in the literature in individuals affected with CEP78-related conditions. ClinVar contains an entry for this variant (Variation ID: 858519). Invitae Evidence Modeling of protein sequence and biophysical properties (such as structural, functional, and spatial information, amino acid conservation, physicochemical variation, residue mobility, and thermodynamic stability) indicates that this missense variant is not expected to disrupt CEP78 protein function with a negative predictive value of 80%. In summary, the available evidence is currently insufficient to determine the role of this variant in disease. Therefore, it has been classified as a Variant of Uncertain Significance.

NM_001330691.3(CEP78):c.1330A>G (p.Ser444Gly)

Gene: CEP78 (centrosomal protein 78; plus strand). Cytogenetic location: 9q21.2.
Variant type: single nucleotide variant.
Coding change: c.1330A>G on transcript NM_001330691.3 (MANE Select); coding-DNA position 1330, A replaced by G.
Protein change: p.Ser444Gly; replaces serine 444 with glycine.
Molecular consequence: missense variant.
Genome position (GRCh38, 1-based): chr9:78,254,914, A>G. VCF-style: chr9-78254914-A-G. GRCh37 (hg19) VCF-style: chr9-80869830-A-G.
Other names: c.1333A>G, p.Ser445Gly (NM_001098802.3, NM_001349839.2, NM_001349840.2 and 1 more transcripts); c.1330A>G, p.Ser444Gly (NM_001330693.3, NM_001330694.2, NM_001349838.2); short protein forms S444G, S445G.
Identifiers: ClinVar variation 858519 (VCV000858519.9), dbSNP rs1334481586, ClinGen allele CA373860988.